The following is an entry in ClinVar:

NM_032242.4(PLXNA1):c.5062-4G>A

Gene: PLXNA1 (plexin A1; plus strand). Cytogenetic location: 3q21.3.
Variant type: single nucleotide variant.
Coding change: c.5062-4G>A on transcript NM_032242.4 (MANE Select); 4 bases into the intron before coding-DNA position 5062, G replaced by A.
Molecular consequence: intron variant.
Genome position (GRCh38, 1-based): chr3:127,030,239, G>A. VCF-style: chr3-127030239-G-A. GRCh37 (hg19) VCF-style: chr3-126749082-G-A.
Identifiers: ClinVar variation 3051039 (VCV003051039.2), dbSNP rs369132556, ClinGen allele CA2594615.

ClinVar aggregate classification (germline): Likely benign (0 of 4 stars; one submission).

Conditions:
PLXNA1-related disorder. Also called: PLXNA1-related condition.

Allele frequency attached by ClinVar (database versions not stated): TOPMed 0.00004; ESP Exome Variant Server 0.00008; gnomAD 0.00011; ExAC 0.00043; 1000 Genomes Project 30x 0.00109; 1000 Genomes Project 0.00120.
gnomAD v4.1: 318 of 1,612,830 alleles (0.02%); highest among the groups gnomAD compares: South Asian, 0.29%; 4 homozygotes.

Submission:

PreventionGenetics, part of Exact Sciences
Classification: Likely benign for PLXNA1-related condition. Last evaluated: 2022-04-07. Review status: no assertion criteria provided. Collection method: clinical testing. Allele origin: germline.
Comment: This variant is classified as likely benign based on ACMG/AMP sequence variant interpretation guidelines (Richards et al. 2015 PMID: 25741868, with internal and published modifications).